The following is an entry in ClinVar:

ClinVar aggregate classification (germline): Uncertain significance. Review status: criteria provided, multiple submitters, no conflicts (2 of 4 stars). 2 submissions from 2 submitters: Uncertain significance (2). Last evaluated 2025-09-26.

Conditions:
Inborn genetic diseases. Identifiers: MedGen C0950123, MeSH D030342.

Allele frequency attached by ClinVar (database versions not stated): ExAC 0.00002; TOPMed below 0.00001; gnomAD exomes below 0.00001.
gnomAD v4.1: 6 of 1,613,750 alleles (0.00037%); highest among the groups gnomAD compares: Non-Finnish European, 0.00051%; no homozygotes.

Submissions (2):

Ambry Genetics
Classification: Uncertain significance for Inborn genetic diseases. Last evaluated: 2025-09-26. Review status: criteria provided, single submitter. Criteria: Ambry Variant Classification Scheme 2023. Collection method: clinical testing. Allele origin: germline.

ARUP Laboratories, Molecular Genetics and Genomics, ARUP Laboratories
Classification: Uncertain significance. Last evaluated: 2023-09-26. Review status: criteria provided, single submitter. Criteria: ARUP Molecular Germline Variant Investigation Process 2024. Collection method: clinical testing. Allele origin: germline.
Comment: The PRX c.7G>A; p.Ala3Thr variant (rs764176482), to our knowledge, is not reported in the medical literature or gene specific databases. This variant is only observed on three alleles in the Genome Aggregation Database, indicating it is not a common polymorphism. Computational analyses predict that this variant is neutral (REVEL: 0.046). However, given the lack of clinical and functional data, the significance of this variant is uncertain at this time.

NM_181882.3(PRX):c.7G>A (p.Ala3Thr)

Gene: PRX (periaxin; minus strand). Cytogenetic location: 19q13.2.
Variant type: single nucleotide variant.
Coding change: c.7G>A on transcript NM_181882.3 (MANE Select); coding-DNA position 7, G replaced by A.
Protein change: p.Ala3Thr; replaces alanine 3 with threonine.
Molecular consequence: missense variant.
Genome position (GRCh38, 1-based): chr19:40,407,926, C>T on the plus strand (G>A on the coding strand, the complement: PRX is on the minus strand). VCF-style: chr19-40407926-C-T. GRCh37 (hg19) VCF-style: chr19-40913833-C-T.
Other names: c.292G>A, p.Ala98Thr (NM_001411127.1); c.7G>A, p.Ala3Thr (NM_020956.2); short protein forms A98T, A3T.
Identifiers: ClinVar variation 2921066 (VCV002921066.2), dbSNP rs764176482, ClinGen allele CA9444632.
Genomic context (GRCh38, chr19:40,407,926, plus strand): 5'-TTGCCCTCAAGTGCGCCTTGCAGGACACGTGGGCACTCACCTCGGCACTCCGGCTCCTGG[C>T]CTCCATGGCGTTGCTGGGAGGCACCTGCACCCCAGGCTCCTGTGTCCTCTCCCCTTTCTG-3'
Protein context (NP_870998.2, residues 1-13): ME[Ala3Thr]RSRSAEELRR